The following is an entry in ClinVar:

NM_017951.5(SMPD4):c.812T>G (p.Leu271Arg)

Gene: SMPD4 (sphingomyelin phosphodiesterase 4; minus strand). Cytogenetic location: 2q21.1.
Variant type: single nucleotide variant.
Coding change: c.812T>G on transcript NM_017951.5 (MANE Select); coding-DNA position 812, T replaced by G.
Protein change: p.Leu271Arg; replaces leucine 271 with arginine.
Molecular consequence: missense variant. On other transcripts: non-coding transcript variant (2).
Genome position (GRCh38, 1-based): chr2:130,164,426, A>C on the plus strand (T>G on the coding strand, the complement: SMPD4 is on the minus strand). VCF-style: chr2-130164426-A-C. GRCh37 (hg19) VCF-style: chr2-130921999-A-C.
Other names: c.710T>G, p.Leu237Arg (NM_001171083.2); c.929T>G, p.Leu310Arg (NM_017751.4); short protein forms L237R, L271R, L310R.
Identifiers: ClinVar variation 1806112 (VCV001806112.1), dbSNP rs2467231765, ClinGen allele CA348478904.

ClinVar aggregate classification (germline): Uncertain significance (1 of 4 stars; one submission).

Conditions:
Neurodevelopmental disorder with microcephaly, arthrogryposis, and structural brain anomalies. Identifiers: Orphanet 664923, MedGen C5231431, MONDO:0032838, OMIM 618622.

Submission:

Victorian Clinical Genetics Services, Murdoch Childrens Research Institute
Classification: Uncertain significance for Neurodevelopmental disorder with microcephaly, arthrogryposis, and structural brain anomalies. Last evaluated: 2021-05-06. Review status: criteria provided, single submitter. Criteria: ACMG Guidelines, 2015. Collection method: clinical testing. Allele origin: germline. Inheritance: Autosomal recessive inheritance.
Comment: Based on the classification scheme VCGS_Germline_v1.3.3, this variant is classified as 3A-VUS. Following criteria are met: 0102 - Loss of function is a known mechanism of disease in this gene and is associated with a neurodevelopmental disorder with microcephaly, arthrogryposis, and structural brain anomalies (MIM#618622). (I) 0106 - This gene is associated with autosomal recessive disease. (I) 0200 - Variant is predicted to result in a missense amino acid change from leucine to arginine. (I) 0252 - This variant is homozygous. (I) 0301 - Variant is absent from gnomAD (both v2 and v3). (SP) 0501 - Missense variant consistently predicted to be damaging by multiple in silico tools or highly conserved with a major amino acid change. (SP) 0600 - Variant is located in the annotated mitochondrial-associated sphingomyelin phosphodiesterase domain (NCBI, PDB). (I) 0705 - No comparable missense variants have previous evidence for pathogenicity. (I) 0807 - This variant has no previous evidence of pathogenicity. (I) 0905 - No published segregation evidence has been identified for this variant. (I) 1007 - No published functional evidence has been identified for this variant. (I) 1102 - Strong phenotype match for this individual. (SP) 1207 - Parental origin of the variant is unresolved. (I) Legend: (SP) - Supporting pathogenic, (I) - Information, (SB) - Supporting benign